The following is an entry in ClinVar:

ClinVar aggregate classification (germline): Uncertain significance. Review status: criteria provided, multiple submitters, no conflicts (2 of 4 stars). 2 submissions from 2 submitters: Uncertain significance (2). Last evaluated 2025-08-12.

Conditions:
Myofibrillar myopathy 5. Also called: FILAMINOPATHY, AUTOSOMAL DOMINANT; Filaminopathy (type). Identifiers: Orphanet 171445, MedGen C1836050, MONDO:0012289, OMIM 609524.
Distal myopathy with posterior leg and anterior hand involvement. Also called: WILLIAMS DISTAL MYOPATHY. Identifiers: Orphanet 63273, MedGen C3279722, MONDO:0013550, OMIM 614065.
Hypertrophic cardiomyopathy 26. Also called: Cardiomyopathy, familial hypertrophic, 26. Identifiers: Orphanet 75249, MedGen C4310749, MONDO:0014883, OMIM 617047.

Allele frequency attached by ClinVar (database versions not stated): gnomAD exomes below 0.00001; gnomAD 0.00001; TOPMed 0.00001.

Submissions (2):

Labcorp Genetics (formerly Invitae), Labcorp
Classification: Uncertain significance for Distal myopathy with posterior leg and anterior hand involvement; Myofibrillar myopathy 5; Hypertrophic cardiomyopathy 26. Last evaluated: 2025-08-12. Review status: criteria provided, single submitter. Criteria: Invitae Variant Classification Sherloc (09022015). Collection method: clinical testing. Allele origin: germline.
Comment: This sequence change replaces threonine, which is neutral and polar, with isoleucine, which is neutral and non-polar, at codon 351 of the FLNC protein (p.Thr351Ile). This variant is present in population databases (no rsID available, gnomAD 0.003%). This variant has not been reported in the literature in individuals affected with FLNC-related conditions. ClinVar contains an entry for this variant (Variation ID: 1436789). Invitae Evidence Modeling of protein sequence and biophysical properties (such as structural, functional, and spatial information, amino acid conservation, physicochemical variation, residue mobility, and thermodynamic stability) has been performed for this missense variant. However, the output from this modeling did not meet the statistical confidence thresholds required to predict the impact of this variant on FLNC protein function. In summary, the available evidence is currently insufficient to determine the role of this variant in disease. Therefore, it has been classified as a Variant of Uncertain Significance.

Revvity Omics, Revvity
Classification: Uncertain significance. Last evaluated: 2019-07-17. Review status: criteria provided, single submitter. Criteria: ACMG Guidelines, 2015. Collection method: clinical testing. Allele origin: germline.

NM_001458.5(FLNC):c.1052C>T (p.Thr351Ile)

Gene: FLNC (filamin C; plus strand). Cytogenetic location: 7q32.1.
Variant type: single nucleotide variant.
Coding change: c.1052C>T on transcript NM_001458.5 (MANE Select); coding-DNA position 1052, C replaced by T.
Protein change: p.Thr351Ile; replaces threonine 351 with isoleucine.
Molecular consequence: missense variant.
Genome position (GRCh38, 1-based): chr7:128,838,271, C>T. VCF-style: chr7-128838271-C-T. GRCh37 (hg19) VCF-style: chr7-128478325-C-T.
Other names: c.1052C>T, p.Thr351Ile (NM_001127487.2); c.1052C>T (NM_001458.4); short protein forms T351I.
Identifiers: ClinVar variation 1436789 (VCV001436789.8), dbSNP rs1309343033, ClinGen allele CA369223529.
Genomic context (GRCh38, chr7:128,838,271, plus strand): 5'-GCCCCCTCTCAGGACTGCTCTCCCCTAGAAGCTAACCTTTGACCTCTGACCCCTAGGTGA[C>T]CGTGCTCTTTGCTGGCCAGAACATTGAACGCAGTCCCTTTGAGGTGAACGTGGGCATGGC-3'
Protein context (NP_001449.3, residues 341-361): VPKVAGLHKV[Thr351Ile]VLFAGQNIER